The following is an entry in ClinVar:

NM_054012.4(ASS1):c.501C>T (p.His167=)

Gene: ASS1 (argininosuccinate synthase 1; plus strand). Cytogenetic location: 9q34.11.
Variant type: single nucleotide variant.
Coding change: c.501C>T on transcript NM_054012.4 (MANE Select); coding-DNA position 501, C replaced by T.
Protein change: p.His167=; no amino-acid change (histidine 167 retained).
Molecular consequence: synonymous variant.
Genome position (GRCh38, 1-based): chr9:130,470,839, C>T. VCF-style: chr9-130470839-C-T. GRCh37 (hg19) VCF-style: chr9-133346226-C-T.
Other names: p.H167H:CAC>CAT; p.His167=; c.501C>T, p.His167= (NM_000050.4).
Identifiers: ClinVar variation 92369 (VCV000092369.30), dbSNP rs10901072, ClinGen allele CA285299.

ClinVar aggregate classification (germline): Benign. Review status: criteria provided, multiple submitters, no conflicts (2 of 4 stars). 10 submissions from 10 submitters: Benign (8). 2 of the submissions do not count toward it. Last evaluated 2026-02-04.

Conditions:
Citrullinemia. Identifiers: Orphanet 187, MedGen C0175683, MONDO:0015991.
Citrullinemia type I (CTNL1). Also called: ASS DEFICIENCY; argininosuccinate synthetase deficiency. Identifiers: Orphanet 247525, MedGen C4721769, MONDO:0008988, OMIM 215700.

Allele frequency attached by ClinVar (database versions not stated): 1000 Genomes Project 30x 0.10509; 1000 Genomes Project 0.10723; TOPMed 0.11166; gnomAD exomes 0.11440 and 0.12249; ExAC 0.11478; gnomAD 0.11982 and 0.12154; ESP Exome Variant Server 0.12402.
gnomAD v4.1: 197,122 of 1,613,678 alleles (12%); highest among the groups gnomAD compares: Non-Finnish European, 12%; 12,619 homozygotes.

Submissions (10):

Labcorp Genetics (formerly Invitae), Labcorp
Classification: Benign for Citrullinemia. Last evaluated: 2026-02-04. Review status: criteria provided, single submitter. Criteria: Invitae Variant Classification Sherloc (09022015). Collection method: clinical testing. Allele origin: germline.

Mayo Clinic Laboratories, Mayo Clinic
Classification: Benign. Last evaluated: 2021-10-17. Review status: criteria provided, single submitter. Criteria: ACMG Guidelines, 2015. Collection method: clinical testing. Allele origin: germline. Observed: 16 variant alleles.

Genome-Nilou Lab
Classification: Benign for Citrullinemia type I. Last evaluated: 2021-07-01. Review status: criteria provided, single submitter. Criteria: ACMG Guidelines, 2015. Collection method: clinical testing. Allele origin: germline. Affected: no.

Illumina Laboratory Services, Illumina
Classification: Benign for Citrullinemia type I. Last evaluated: 2018-01-13. Review status: criteria provided, single submitter. Criteria: ICSL Variant Classification Criteria 13 December 2019. Collection method: clinical testing. Allele origin: germline.
Comment: This variant was observed in the ICSL laboratory as part of a predisposition screen in an ostensibly healthy population. It had not been previously curated by ICSL or reported in the Human Gene Mutation Database (HGMD: prior to June 1st, 2018), and was therefore a candidate for classification through an automated scoring system. Utilizing variant allele frequency, disease prevalence and penetrance estimates, and inheritance mode, an automated score was calculated to assess if this variant is too frequent to cause the disease. Based on the score and internal cut-off values, a variant classified as benign is not then subjected to further curation. The score for this variant resulted in a classification of benign for this disease.

GeneDx
Classification: Benign. Last evaluated: 2013-06-18. Review status: criteria provided, single submitter. Criteria: GeneDx Variant Classification (06012015). Collection method: clinical testing. Allele origin: germline. Affected: yes.
Comment: This variant is considered likely benign or benign based on one or more of the following criteria: it is a conservative change, it occurs at a poorly conserved position in the protein, it is predicted to be benign by multiple in silico algorithms, and/or has population frequency not consistent with disease.

Eurofins Ntd Llc (ga)
Classification: Benign. Last evaluated: 2012-12-03. Review status: criteria provided, single submitter. Criteria: EGL Classification Definitions 2015. Collection method: clinical testing. Allele origin: germline. Observed: 6 variant alleles, 4 heterozygotes, 2 homozygotes.

Breakthrough Genomics
Classification: Benign. Review status: criteria provided, single submitter. Criteria: ACMG Guidelines, 2015. Collection method: not provided. Allele origin: germline. Inheritance: Autosomal recessive inheritance. Affected: yes.

PreventionGenetics, part of Exact Sciences
Classification: Benign. Review status: criteria provided, single submitter. Criteria: ACMG Guidelines, 2015. Collection method: clinical testing. Allele origin: germline.

Natera, Inc.
Classification: Benign for Citrullinemia type I. Last evaluated: 2017-03-28. Review status: no assertion criteria provided. Collection method: clinical testing. Allele origin: germline. Not counted in ClinVar's aggregate classification.

Genetic Services Laboratory, University of Chicago
Classification: Likely benign for AllHighlyPenetrant. Review status: no assertion criteria provided. Collection method: clinical testing. Allele origin: germline. Inheritance: Autosomal recessive inheritance. Not counted in ClinVar's aggregate classification.
Comment: Likely benign based on allele frequency in 1000 Genomes Project or ESP global frequency and its presence in a patient with a rare or unrelated disease phenotype. NOT Sanger confirmed.